The following is an entry in ClinVar:

ClinVar aggregate classification (germline): Uncertain significance. Review status: criteria provided, multiple submitters, no conflicts (2 of 4 stars). 3 submissions from 3 submitters: Uncertain significance (2). 1 of the submissions does not count toward it. Last evaluated 2025-12-02.

Conditions:
Inborn genetic diseases. Identifiers: MedGen C0950123, MeSH D030342.
MAGEL2-related disorder. Also called: MAGEL2-related condition.

Allele frequency attached by ClinVar (database versions not stated): gnomAD exomes below 0.00001.
gnomAD v4.1: 7 of 1,474,642 alleles (0.00047%); highest among the groups gnomAD compares: East Asian, 0.015%; no homozygotes.

Submissions (3):

Labcorp Genetics (formerly Invitae), Labcorp
Classification: Uncertain significance. Last evaluated: 2025-12-02. Review status: criteria provided, single submitter. Criteria: Invitae Variant Classification Sherloc (09022015). Collection method: clinical testing. Allele origin: germline.
Comment: This sequence change replaces glutamine, which is neutral and polar, with lysine, which is basic and polar, at codon 397 of the MAGEL2 protein (p.Gln397Lys). This variant is present in population databases (no rsID available, gnomAD 0.03%). This variant has not been reported in the literature in individuals affected with MAGEL2-related conditions. ClinVar contains an entry for this variant (Variation ID: 2712781). Experimental studies and prediction algorithms are not available or were not evaluated, and the functional significance of this variant is currently unknown. In summary, the available evidence is currently insufficient to determine the role of this variant in disease. Therefore, it has been classified as a Variant of Uncertain Significance.

Ambry Genetics
Classification: Uncertain significance for Inborn genetic diseases. Last evaluated: 2023-10-13. Review status: criteria provided, single submitter. Criteria: Ambry Variant Classification Scheme 2023. Collection method: clinical testing. Allele origin: germline.

PreventionGenetics, part of Exact Sciences
Classification: Uncertain significance for MAGEL2-related condition. Last evaluated: 2023-12-14. Review status: no assertion criteria provided. Collection method: clinical testing. Allele origin: germline. Not counted in ClinVar's aggregate classification.
Comment: The MAGEL2 c.1189C>A variant is predicted to result in the amino acid substitution p.Gln397Lys. To our knowledge, this variant has not been reported in the literature. This variant is reported in 0.029% of alleles in individuals of East Asian descent in gnomAD. At this time, the clinical significance of this variant is uncertain due to the absence of conclusive functional and genetic evidence.

NM_019066.5(MAGEL2):c.1189C>A (p.Gln397Lys)

Gene: MAGEL2 (MAGE family member L2; minus strand). Cytogenetic location: 15q11.2.
Variant type: single nucleotide variant.
Coding change: c.1189C>A on transcript NM_019066.5 (MANE Select); coding-DNA position 1189, C replaced by A.
Protein change: p.Gln397Lys; replaces glutamine 397 with lysine.
Molecular consequence: missense variant.
Genome position (GRCh38, 1-based): chr15:23,646,554, G>T on the plus strand (C>A on the coding strand, the complement: MAGEL2 is on the minus strand). VCF-style: chr15-23646554-G-T. GRCh37 (hg19) VCF-style: chr15-23891701-G-T.
Other names: c.1189C>A (NM_019066.4); short protein forms Q397K.
Identifiers: ClinVar variation 2712781 (VCV002712781.6), dbSNP rs1180845229, ClinGen allele CA391334982.